The following is an entry in ClinVar:

ClinVar aggregate classification (germline): Conflicting classifications of pathogenicity. Review status: criteria provided, conflicting classifications (1 of 4 stars). 2 submissions from 2 submitters: Uncertain significance (1); Likely benign (1). Last evaluated 2023-02-28.

Conditions:
Inborn genetic diseases. Identifiers: MedGen C0950123, MeSH D030342.

Allele frequency attached by ClinVar (database versions not stated): gnomAD exomes 0.00001 and 0.00002; ExAC 0.00003; TOPMed 0.00004; gnomAD 0.00006; 1000 Genomes Project 30x 0.00016; 1000 Genomes Project 0.00020.
gnomAD v4.1: 33 of 1,614,198 alleles (0.002%); highest among the groups gnomAD compares: East Asian, 0.011%; no homozygotes.

Submissions (2):

Ambry Genetics
Classification: Likely benign for Inborn genetic diseases. Last evaluated: 2023-02-28. Review status: criteria provided, single submitter. Criteria: Ambry Variant Classification Scheme 2023. Collection method: clinical testing. Allele origin: germline.

Labcorp Genetics (formerly Invitae), Labcorp
Classification: Uncertain significance. Last evaluated: 2022-07-17. Review status: criteria provided, single submitter. Criteria: Invitae Variant Classification Sherloc (09022015). Collection method: clinical testing. Allele origin: germline.
Comment: This sequence change replaces glutamic acid, which is acidic and polar, with lysine, which is basic and polar, at codon 1288 of the LAMC3 protein (p.Glu1288Lys). This variant is present in population databases (rs369682316, gnomAD 0.01%). This variant has not been reported in the literature in individuals affected with LAMC3-related conditions. ClinVar contains an entry for this variant (Variation ID: 1442663). Algorithms developed to predict the effect of missense changes on protein structure and function output the following: SIFT: "Tolerated"; PolyPhen-2: "Benign"; Align-GVGD: "Class C0". The lysine amino acid residue is found in multiple mammalian species, which suggests that this missense change does not adversely affect protein function. In summary, the available evidence is currently insufficient to determine the role of this variant in disease. Therefore, it has been classified as a Variant of Uncertain Significance.

NM_006059.4(LAMC3):c.3862G>A (p.Glu1288Lys)

Gene: LAMC3 (laminin subunit gamma 3; plus strand). Cytogenetic location: 9q34.12.
Variant type: single nucleotide variant.
Coding change: c.3862G>A on transcript NM_006059.4 (MANE Select); coding-DNA position 3862, G replaced by A.
Protein change: p.Glu1288Lys; replaces glutamic acid 1288 with lysine.
Molecular consequence: missense variant.
Genome position (GRCh38, 1-based): chr9:131,079,233, G>A. VCF-style: chr9-131079233-G-A. GRCh37 (hg19) VCF-style: chr9-133954620-G-A.
Other names: c.3862G>A (NM_006059.3); short protein forms E1288K.
Identifiers: ClinVar variation 1442663 (VCV001442663.4), dbSNP rs369682316, ClinGen allele CA5287966.
Genomic context (GRCh38, chr9:131,079,233, plus strand): 5'-CTGGGCCTGAAGGCGAAGGCCCTGGAGAAGACAGTTGCATCATGGCAGCACATGGCCACT[G>A]AGGCTGCCCGAACCCTCCAGACTGCTGCCCAGGCGACGCTACGGCAAACAGAACCCCTCA-3'
Protein context (NP_006050.3, residues 1278-1298): TVASWQHMAT[Glu1288Lys]AARTLQTAAQ